The following is an entry in ClinVar:

NM_013275.6(ANKRD11):c.1726G>T (p.Glu576Ter)

Gene: ANKRD11 (ankyrin repeat domain containing 11; minus strand). Cytogenetic location: 16q24.3.
Variant type: single nucleotide variant.
Coding change: c.1726G>T on transcript NM_013275.6 (MANE Select); coding-DNA position 1726, G replaced by T.
Protein change: p.Glu576Ter; replaces glutamic acid 576 with a stop codon.
Molecular consequence: nonsense.
Genome position (GRCh38, 1-based): chr16:89,284,816, C>A on the plus strand (G>T on the coding strand, the complement: ANKRD11 is on the minus strand). VCF-style: chr16-89284816-C-A. GRCh37 (hg19) VCF-style: chr16-89351224-C-A.
Other names: c.1726G>T, p.Glu576Ter (NM_001256182.2, NM_001256183.2); short protein forms E576*.
Identifiers: ClinVar variation 2630431 (VCV002630431.1), dbSNP rs763414376, ClinGen allele CA397164177.

ClinVar aggregate classification (germline): Likely pathogenic (1 of 4 stars; one submission).

Conditions:
ANKRD11-related disorder. Also called: ANKRD11-related condition.

Submission:

PreventionGenetics, part of Exact Sciences
Classification: Likely pathogenic for ANKRD11-related condition. Last evaluated: 2023-02-01. Review status: criteria provided, single submitter. Criteria: ACMG Guidelines, 2015. Collection method: clinical testing. Allele origin: germline.
Comment: The ANKRD11 c.1726G>T variant is predicted to result in premature protein termination (p.Glu576*). To our knowledge, this variant has not been reported in the literature or in a large population database, indicating this variant is rare. Nonsense variants in ANKRD11 are expected to be pathogenic. This variant is interpreted as likely pathogenic.